The following is an entry in ClinVar:

ClinVar aggregate classification (germline): Uncertain significance (1 of 4 stars; one submission).

Conditions:
Bethlem myopathy 1A. Also called: MYOPATHY, BENIGN CONGENITAL, WITH CONTRACTURES; Bethlem myopathy 1; Bethlem Muscular Dystrophy. Identifiers: Orphanet 610, MedGen CN029274, MONDO:0024530, OMIM 158810.

Submission:

Labcorp Genetics (formerly Invitae), Labcorp
Classification: Uncertain significance for Bethlem myopathy 1A. Last evaluated: 2024-05-31. Review status: criteria provided, single submitter. Criteria: Invitae Variant Classification Sherloc (09022015). Collection method: clinical testing. Allele origin: germline.
Comment: This sequence change replaces glutamine, which is neutral and polar, with lysine, which is basic and polar, at codon 2710 of the COL6A3 protein (p.Gln2710Lys). This variant is not present in population databases (gnomAD no frequency). This variant has not been reported in the literature in individuals affected with COL6A3-related conditions. Advanced modeling of protein sequence and biophysical properties (such as structural, functional, and spatial information, amino acid conservation, physicochemical variation, residue mobility, and thermodynamic stability) performed at Invitae indicates that this missense variant is not expected to disrupt COL6A3 protein function with a negative predictive value of 80%. In summary, the available evidence is currently insufficient to determine the role of this variant in disease. Therefore, it has been classified as a Variant of Uncertain Significance.

NM_004369.4(COL6A3):c.8128C>A (p.Gln2710Lys)

Gene: COL6A3 (collagen type VI alpha 3 chain; minus strand). Cytogenetic location: 2q37.3.
Variant type: single nucleotide variant.
Coding change: c.8128C>A on transcript NM_004369.4 (MANE Select); coding-DNA position 8128, C replaced by A.
Protein change: p.Gln2710Lys; replaces glutamine 2710 with lysine.
Molecular consequence: missense variant.
Genome position (GRCh38, 1-based): chr2:237,340,788, G>T on the plus strand (C>A on the coding strand, the complement: COL6A3 is on the minus strand). VCF-style: chr2-237340788-G-T. GRCh37 (hg19) VCF-style: chr2-238249431-G-T.
Other names: c.6307C>A, p.Gln2103Lys (NM_057166.5); c.7510C>A, p.Gln2504Lys (NM_057167.4); short protein forms Q2710K, Q2504K, Q2103K.
Identifiers: ClinVar variation 3707365 (VCV003707365.2).
Genomic context (GRCh38, chr2:237,340,788, plus strand): 5'-CACTTTCAAAGACATTCTCTATGGTGTATTCAATGGCACTGCCTAAGGCCCTGGTTCCCT[G>T]CAACTGTGTCATTCCCCTGCTGAGGAAGTCCACCAGCTTCTCCTTGGAGCCATAGTCAGT-3'
Protein context (NP_004360.2, residues 2700-2720): DFLSRGMTQL[Gln2710Lys]GTRALGSAIE